The following is an entry in ClinVar:

ClinVar aggregate classification (germline): Uncertain significance (1 of 4 stars; one submission).

Conditions:
Amyotrophic lateral sclerosis type 4 (ALS4). Also called: NEURONOPATHY, DISTAL HEREDITARY MOTOR, WITH PYRAMIDAL FEATURES; AMYOTROPHIC LATERAL SCLEROSIS 4, JUVENILE. Identifiers: Orphanet 357043, MedGen C1865409, MONDO:0011223, OMIM 602433.

Submission:

Victorian Clinical Genetics Services, Murdoch Childrens Research Institute
Classification: Uncertain significance for Amyotrophic lateral sclerosis type 4. Last evaluated: 2024-10-30. Review status: criteria provided, single submitter. Criteria: ACMG Guidelines, 2015. Collection method: clinical testing. Allele origin: germline. Affected: yes.
Comment: This variant is classified as VUS-3B. Evidence in support of pathogenic classification: Variant is absent from gnomAD (v2, v3 and v4). Additional information: Variant is predicted to result in a missense amino acid change from aspartic acid to histidine; This variant is heterozygous; This gene is associated with both recessive and dominant disease (OMIM); Multiple alternative amino acid changes at the same position have been observed in gnomAD (v4: 1 heterozygote(s), 0 homozygote(s)); This variant has no previous evidence of pathogenicity; No published segregation evidence has been identified for this variant; No published functional evidence has been identified for this variant; No comparable missense variants have previous evidence for pathogenicity; Variant is not located in an established domain, motif, hotspot or informative constraint region; Missense variant with uninformative in silico prediction and conservation; Loss of function is a known mechanism of disease in this gene and is associated with spinocerebellar ataxia with axonal neuropathy 2 (MIM#606002). The mechanism for juvenile amyotrophic lateral sclerosis 4 (MIM#602433) has not been established, but both gain of function and dominant negative mechanisms have been speculated. Missense variants have been reported in patients with both conditions (OMIM, PMIDs: 23129421, 16644229, 30052327); Variants in this gene are known to have variable expressivity. Variable severity and features, as well as age of onset have been reported (GeneReviews, PMID: 22088787); Inheritance information for this variant is not currently available in this individual.

Literature cited by the submitters: PubMed 16644229; PubMed 22088787; PubMed 23129421; PubMed 30052327.

NM_015046.7(SETX):c.5095G>C (p.Asp1699His)

Gene: SETX (senataxin; minus strand). Cytogenetic location: 9q34.13.
Variant type: single nucleotide variant.
Coding change: c.5095G>C on transcript NM_015046.7 (MANE Select); coding-DNA position 5095, G replaced by C.
Protein change: p.Asp1699His; replaces aspartic acid 1699 with histidine.
Molecular consequence: missense variant.
Genome position (GRCh38, 1-based): chr9:132,326,503, C>G on the plus strand (G>C on the coding strand, the complement: SETX is on the minus strand). VCF-style: chr9-132326503-C-G. GRCh37 (hg19) VCF-style: chr9-135201890-C-G.
Other names: c.5095G>C, p.Asp1699His (NM_001351527.2, NM_001351528.2); short protein forms D1699H.
Identifiers: ClinVar variation 4532119 (VCV004532119.1).